The following is an entry in ClinVar:

ClinVar aggregate classification (germline): Benign. Review status: reviewed by expert panel (3 of 4 stars). 3 submissions from 3 submitters: Benign (1). 2 of the submissions do not count toward it. Last evaluated 2026-08-19.

Conditions:
Immunodeficiency 104. Also called: IMMUNODEFICIENCY 104, SEVERE COMBINED; Severe combined immunodeficiency, autosomal recessive, T cell-negative, B cell-positive, NK cell-positive; SCID, AUTOSOMAL RECESSIVE, T CELL-NEGATIVE, B CELL-POSITIVE, NK CELL-POSITIVE; Severe Combined Immune Deficiency, Autosomal Recessive, TCell -Negative, B Cell-Positive, NK Cell-Positive, IL7R-Related. Identifiers: MedGen C5676890, MONDO:0012163, OMIM 608971.

Allele frequency attached by ClinVar (database versions not stated): gnomAD 0.00005 and 0.00017; TOPMed 0.00006; gnomAD exomes 0.00040 and 0.00056; ExAC 0.00059; 1000 Genomes Project 0.00120; 1000 Genomes Project 30x 0.00141.
gnomAD v4.1: 611 of 1,613,436 alleles (0.038%); highest among the groups gnomAD compares: South Asian, 0.41%; 3 homozygotes.

Submissions (3):

ClinGen Severe Combined Immunodeficiency Variant Curation Expert Panel, ClinGen
Classification: Benign for Immunodeficiency 104. Last evaluated: 2026-08-19. Review status: reviewed by expert panel. Criteria: ClinGen SCID ACMG Specifications IL7R V2.2. Collection method: curation. Allele origin: germline. Inheritance: Autosomal recessive inheritance.
Comment: NM_002185.5(IL7R):c.283G>A is a missense variant predicted to cause substitution of glutamic acid by lysine at amino acid 95 (p.Glu95Lys). The filtering allele frequency (the lower bound of the 95% CI of 377/91,056) of the c.283G>A variant in IL7R is 0.003796 for South Asian chromosomes in gnomAD v4, which is higher than the ClinGen SCID VCEP threshold (>0.00126) for BS1 and therefore meets this criterion (BS1). This variant also has 3 homozygotes in gnomAD v4, meeting criteria for BS2_Strong. To our knowledge, this variant has not been reported in the literature in individuals affected with IL7R-related conditions or in functional studies. In summary, this variant meets criteria to be classified as Benign for autosomal recessive severe combined immunodeficiency due to IL7R deficiency based on the ACMG/AMP criteria applied, as specified by the ClinGen SCID VCEP: BS1 and BS2_Strong (IL7R SCID VCEP specifications version 2.2.0).

Labcorp Genetics (formerly Invitae), Labcorp
Classification: Benign for Immunodeficiency 104. Last evaluated: 2026-01-19. Review status: criteria provided, single submitter. Criteria: Invitae Variant Classification Sherloc (09022015). Collection method: clinical testing. Allele origin: germline. Not counted in ClinVar's aggregate classification.

Blueprint Genetics
Classification: Likely benign. Last evaluated: 2024-03-11. Review status: criteria provided, single submitter. Criteria: ACMG Guidelines, 2015. Collection method: clinical testing. Allele origin: germline. Not counted in ClinVar's aggregate classification.

NM_002185.5(IL7R):c.283G>A (p.Glu95Lys)

Gene: IL7R (interleukin 7 receptor; plus strand). Cytogenetic location: 5p13.2.
Variant type: single nucleotide variant.
Coding change: c.283G>A on transcript NM_002185.5 (MANE Select); coding-DNA position 283, G replaced by A.
Protein change: p.Glu95Lys; replaces glutamic acid 95 with lysine.
Molecular consequence: missense variant. On other transcripts: non-coding transcript variant (1).
Genome position (GRCh38, 1-based): chr5:35,867,367, G>A. VCF-style: chr5-35867367-G-A. GRCh37 (hg19) VCF-style: chr5-35867469-G-A.
Other names: NM_002185.5(IL7R):c.283G>A; p.Glu95Lys; short protein forms E95K.
Identifiers: ClinVar variation 1165711 (VCV001165711.11), dbSNP rs191585195, ClinGen allele CA3231900.